The following is an entry in ClinVar:

ClinVar aggregate classification (germline): Uncertain significance (1 of 4 stars; one submission).

Conditions:
Exostoses, multiple, type 2 (EXT2). Also called: Hereditary Multiple Osteochondromatosis, Type II; EXOSTOSES, MULTIPLE, TYPE II. Identifiers: Orphanet 321, MedGen C1851413, MONDO:0007586, OMIM 133701.

Submission:

Labcorp Genetics (formerly Invitae), Labcorp
Classification: Uncertain significance for Exostoses, multiple, type 2. Last evaluated: 2024-04-25. Review status: criteria provided, single submitter. Criteria: Invitae Variant Classification Sherloc (09022015). Collection method: clinical testing. Allele origin: germline.
Comment: This sequence change replaces methionine, which is neutral and non-polar, with isoleucine, which is neutral and non-polar, at codon 577 of the EXT2 protein (p.Met577Ile). This variant is not present in population databases (gnomAD no frequency). This variant has not been reported in the literature in individuals affected with EXT2-related conditions. Advanced modeling of protein sequence and biophysical properties (such as structural, functional, and spatial information, amino acid conservation, physicochemical variation, residue mobility, and thermodynamic stability) performed at Invitae indicates that this missense variant is not expected to disrupt EXT2 protein function with a negative predictive value of 80%. In summary, the available evidence is currently insufficient to determine the role of this variant in disease. Therefore, it has been classified as a Variant of Uncertain Significance.

NM_207122.2(EXT2):c.1731G>A (p.Met577Ile)

Gene: EXT2 (exostosin glycosyltransferase 2; plus strand). Cytogenetic location: 11p11.2.
Variant type: single nucleotide variant.
Coding change: c.1731G>A on transcript NM_207122.2 (MANE Select); coding-DNA position 1731, G replaced by A.
Protein change: p.Met577Ile; replaces methionine 577 with isoleucine.
Molecular consequence: missense variant.
Genome position (GRCh38, 1-based): chr11:44,232,421, G>A. VCF-style: chr11-44232421-G-A. GRCh37 (hg19) VCF-style: chr11-44253971-G-A.
Other names: c.1830G>A, p.Met610Ile (NM_000401.3); c.1761G>A, p.Met587Ile (NM_001178083.3); c.1731G>A, p.Met577Ile (NM_001389628.1, NM_001389630.1); short protein forms M577I, M587I, M610I.
Identifiers: ClinVar variation 3622240 (VCV003622240.2).
Genomic context (GRCh38, chr11:44,232,421, plus strand): 5'-GGAATTTCCTGACCGGTTGGTGGGTTACCCGGGTCGTCTGCATCTCTGGGACCATGAGAT[G>A]AATAAGTGGAAGTATGAGTCTGAGTGGACGAATGAAGTGTCCATGGTGCTCACTGGGGCA-3'
Protein context (NP_997005.1, residues 567-587): PGRLHLWDHE[Met577Ile]NKWKYESEWT